The following is an entry in ClinVar:

ClinVar aggregate classification (germline): Uncertain significance (1 of 4 stars; one submission).

Submission:

Dasa
Classification: Uncertain significance. Last evaluated: 2026-01-16. Review status: criteria provided, single submitter. Criteria: DASA Assertion Criteria. Collection method: clinical testing. Allele origin: germline.
Comment: NM_001394062.1(MACF1):c.7378_7381del (p.Ile2460Valfs*10) introduces a premature termination codon predicted to result in loss of normal protein function. Loss-of-function is an established mechanism of disease for this gene. The variant is present at low frequency in population datasets. Based on the available data, this variant is classified as variant of uncertain significance.

NM_001394062.1(MACF1):c.7378_7381del (p.Ile2460fs)

Gene: MACF1 (microtubule actin crosslinking factor 1; plus strand). Cytogenetic location: 1p34.3.
Variant type: Microsatellite.
Coding change: c.7378_7381del on transcript NM_001394062.1 (MANE Select); coding-DNA positions 7378 to 7381, 4 bases deleted (ATTA; older notation c.7378_7381delATTA).
Protein change: p.Ile2460fs; shifts the reading frame from isoleucine 2460.
Molecular consequence: frameshift variant. On other transcripts: intron variant (1).
Genome position (GRCh38, 1-based): chr1:39,333,966-39,333,969, ATTA deleted; deleting any 4 consecutive bases within chr1:39,333,962-39,333,969 gives the same sequence; the c. name uses the placement nearest the transcript's 3' end. VCF-style (leftmost placement, unchanged base first): chr1-39333961-GATTA-G. GRCh37 (hg19) VCF-style: chr1-39799633-GATTA-G.
Other names: c.4629+6613_4629+6616del (NM_012090.5); short protein forms I2460fs.
Identifiers: ClinVar variation 4851834 (VCV004851834.1).